The following is an entry in ClinVar:

ClinVar aggregate classification (germline): Uncertain significance. Review status: criteria provided, single submitter (1 of 4 stars). 2 submissions from 2 submitters: Uncertain significance (1). 1 of the submissions does not count toward it. Last evaluated 2025-09-28.

Conditions:
HNRNPUL2-related disorder. Also called: HNRNPUL2-related condition.
Inborn genetic diseases. Identifiers: MedGen C0950123, MeSH D030342.

Allele frequency attached by ClinVar (database versions not stated): gnomAD 0.00135; gnomAD exomes 0.00203; ExAC 0.00162; ESP Exome Variant Server 0.00215; TOPMed 0.00155.
gnomAD v4.1: 3,147 of 1,614,018 alleles (0.19%); highest among the groups gnomAD compares: Non-Finnish European, 0.25%; 3 homozygotes.

Submissions (2):

Ambry Genetics
Classification: Uncertain significance for Inborn genetic diseases. Last evaluated: 2025-09-28. Review status: criteria provided, single submitter. Criteria: Ambry Variant Classification Scheme 2023. Collection method: clinical testing. Allele origin: germline.

PreventionGenetics, part of Exact Sciences
Classification: Likely benign for HNRNPUL2-related condition. Last evaluated: 2022-05-25. Review status: no assertion criteria provided. Collection method: clinical testing. Allele origin: germline. Not counted in ClinVar's aggregate classification.
Comment: This variant is classified as likely benign based on ACMG/AMP sequence variant interpretation guidelines (Richards et al. 2015 PMID: 25741868, with internal and published modifications).

NM_001079559.3(HNRNPUL2):c.1319T>C (p.Val440Ala)

Genes: HNRNPUL2 (heterogeneous nuclear ribonucleoprotein U like 2; minus strand), HNRNPUL2-BSCL2 (HNRNPUL2-BSCL2 readthrough (NMD candidate); minus strand). Cytogenetic location: 11q12.3.
Variant type: single nucleotide variant.
Coding change: c.1319T>C on transcript NM_001079559.3 (MANE Select); coding-DNA position 1319, T replaced by C.
Protein change: p.Val440Ala; replaces valine 440 with alanine.
Molecular consequence: missense variant. On other transcripts: non-coding transcript variant (1).
Genome position (GRCh38, 1-based): chr11:62,722,157, A>G on the plus strand (T>C on the coding strand, the complement: HNRNPUL2 is on the minus strand). VCF-style: chr11-62722157-A-G. GRCh37 (hg19) VCF-style: chr11-62489629-A-G.
Other names: short protein forms V440A.
Identifiers: ClinVar variation 3041356 (VCV003041356.3), dbSNP rs200099583, ClinGen allele CA6054099.